The following is an entry in ClinVar:

NM_152703.5(SAMD9L):c.1636G>C (p.Val546Leu)

Gene: SAMD9L (sterile alpha motif domain containing 9 like; minus strand). Cytogenetic location: 7q21.2.
Variant type: single nucleotide variant.
Coding change: c.1636G>C on transcript NM_152703.5 (MANE Select); coding-DNA position 1636, G replaced by C.
Protein change: p.Val546Leu; replaces valine 546 with leucine.
Molecular consequence: missense variant.
Genome position (GRCh38, 1-based): chr7:93,134,336, C>G on the plus strand (G>C on the coding strand, the complement: SAMD9L is on the minus strand). VCF-style: chr7-93134336-C-G. GRCh37 (hg19) VCF-style: chr7-92763649-C-G.
Other names: c.1636G>C, p.Val546Leu (NM_001303496.3, NM_001303497.3, NM_001303498.3 and 5 more transcripts); short protein forms V546L.
Identifiers: ClinVar variation 4159255 (VCV004159255.1).

ClinVar aggregate classification (germline): Uncertain significance (1 of 4 stars; one submission).

Conditions:
Inborn genetic diseases. Identifiers: MedGen C0950123, MeSH D030342.

gnomAD v4.1: 1 of 1,610,818 alleles (0.000062%); highest among the groups gnomAD compares: Non-Finnish European, 0.000085%; no homozygotes.

Submission:

Ambry Genetics
Classification: Uncertain significance for Inborn genetic diseases. Last evaluated: 2025-06-21. Review status: criteria provided, single submitter. Criteria: Ambry Variant Classification Scheme 2023. Collection method: clinical testing. Allele origin: germline.
Comment: The p.V546L variant (also known as c.1636G>C), located in coding exon 1 of the SAMD9L gene, results from a G to C substitution at nucleotide position 1636. The valine at codon 546 is replaced by leucine, an amino acid with highly similar properties. This amino acid position is conserved. In addition, this alteration is predicted to be tolerated by in silico analysis. Based on the available evidence, the clinical significance of this variant remains unclear.